The following is an entry in ClinVar:

NM_015466.4(PTPN23):c.3973A>C (p.Ser1325Arg)

Gene: PTPN23 (protein tyrosine phosphatase non-receptor type 23; plus strand). Cytogenetic location: 3p21.31.
Variant type: single nucleotide variant.
Coding change: c.3973A>C on transcript NM_015466.4 (MANE Select); coding-DNA position 3973, A replaced by C.
Protein change: p.Ser1325Arg; replaces serine 1325 with arginine.
Molecular consequence: missense variant.
Genome position (GRCh38, 1-based): chr3:47,411,867, A>C. VCF-style: chr3-47411867-A-C. GRCh37 (hg19) VCF-style: chr3-47453357-A-C.
Other names: c.3595A>C, p.Ser1199Arg (NM_001304482.2); short protein forms S1199R, S1325R.
Identifiers: ClinVar variation 3371536 (VCV003371536.1).

ClinVar aggregate classification (germline): Uncertain significance (1 of 4 stars; one submission).

Submission:

GeneDx
Classification: Uncertain significance. Last evaluated: 2024-04-09. Review status: criteria provided, single submitter. Criteria: GeneDx Variant Classification Process June 2021. Collection method: clinical testing. Allele origin: germline. Affected: yes.
Comment: Not observed at significant frequency in large population cohorts (gnomAD); In silico analysis indicates that this missense variant does not alter protein structure/function; Has not been previously published as pathogenic or benign to our knowledge